The following is an entry in ClinVar:

NM_020247.5(COQ8A):c.1717G>A (p.Asp573Asn)

Gene: COQ8A (coenzyme Q8A; plus strand). Cytogenetic location: 1q42.13.
Variant type: single nucleotide variant.
Coding change: c.1717G>A on transcript NM_020247.5 (MANE Select); coding-DNA position 1717, G replaced by A.
Protein change: p.Asp573Asn; replaces aspartic acid 573 with asparagine.
Molecular consequence: missense variant.
Genome position (GRCh38, 1-based): chr1:226,986,510, G>A. VCF-style: chr1-226986510-G-A. GRCh37 (hg19) VCF-style: chr1-227174211-G-A.
Other names: short protein forms D573N.
Identifiers: ClinVar variation 1339928 (VCV001339928.5), dbSNP rs1026198961, ClinGen allele CA38655939.

ClinVar aggregate classification (germline): Uncertain significance (1 of 4 stars; one submission).

Allele frequency attached by ClinVar (database versions not stated): gnomAD exomes 0.00001 and 0.00005; gnomAD 0.00002; TOPMed 0.00005.
gnomAD v4.1: 70 of 1,613,570 alleles (0.0043%); highest among the groups gnomAD compares: African/African-American, 0.0094%; no homozygotes.

Submission:

Labcorp Genetics (formerly Invitae), Labcorp
Classification: Uncertain significance. Last evaluated: 2024-10-22. Review status: criteria provided, single submitter. Criteria: Invitae Variant Classification Sherloc (09022015). Collection method: clinical testing. Allele origin: germline.
Comment: This sequence change replaces aspartic acid, which is acidic and polar, with asparagine, which is neutral and polar, at codon 573 of the COQ8A protein (p.Asp573Asn). This variant is present in population databases (no rsID available, gnomAD 0.004%). This variant has not been reported in the literature in individuals affected with COQ8A-related conditions. ClinVar contains an entry for this variant (Variation ID: 1339928). Invitae Evidence Modeling of protein sequence and biophysical properties (such as structural, functional, and spatial information, amino acid conservation, physicochemical variation, residue mobility, and thermodynamic stability) has been performed for this missense variant. However, the output from this modeling did not meet the statistical confidence thresholds required to predict the impact of this variant on COQ8A protein function. In summary, the available evidence is currently insufficient to determine the role of this variant in disease. Therefore, it has been classified as a Variant of Uncertain Significance.